The following is an entry in ClinVar:

ClinVar aggregate classification (germline): Likely benign. Review status: criteria provided, multiple submitters, no conflicts (2 of 4 stars). 2 submissions from 2 submitters: Likely benign (2). Last evaluated 2025-08-01.

gnomAD v4.1: 180 of 1,613,328 alleles (0.011%); highest among the groups gnomAD compares: Non-Finnish European, 0.014%; no homozygotes.

Submissions (2):

CeGaT Center for Human Genetics Tuebingen
Classification: Likely benign. Last evaluated: 2025-08-01. Review status: criteria provided, single submitter. Criteria: CeGaT Center For Human Genetics Tuebingen Variant Classification Criteria Version 2. Collection method: clinical testing. Allele origin: germline. Affected: yes. Observed: 1 variant allele.
Comment: CUX1: BP4, BP7

Blueprint Genetics
Classification: Likely benign. Last evaluated: 2024-05-17. Review status: criteria provided, single submitter. Criteria: ACMG Guidelines, 2015. Collection method: clinical testing. Allele origin: germline.

NM_181552.4(CUX1):c.3048C>T (p.Pro1016=)

Gene: CUX1 (cut like homeobox 1; plus strand). Cytogenetic location: 7q22.1.
Variant type: single nucleotide variant.
Coding change: c.3048C>T on transcript NM_181552.4 (MANE Select); coding-DNA position 3048, C replaced by T.
Protein change: p.Pro1016=; no amino-acid change (proline 1016 retained).
Molecular consequence: synonymous variant. On other transcripts: intron variant (5).
Genome position (GRCh38, 1-based): chr7:102,204,531, C>T. VCF-style: chr7-102204531-C-T. GRCh37 (hg19) VCF-style: chr7-101847811-C-T.
Other names: c.3081C>T, p.Pro1027= (NM_001202543.2); c.1255+8928C>T (NM_001913.5); c.1249+8928C>T (NM_181500.4); c.1117+8928C>T (NM_001202545.3); c.1207+8928C>T (NM_001202544.3); c.1138+8928C>T (NM_001202546.3).
Identifiers: ClinVar variation 4084217 (VCV004084217.9).
Genomic context (GRCh38, chr7:102,204,531, plus strand): 5'-AGAACCCTTCATCCGGATGCAGCTCTGGCTGAACGGCGAGCTAGGCCAGGGTGTTCTACC[C>T]GTCCAGGGCCAGCAGCAAGGGCCAGGTAATGGGGGTCCTGCCACAGGAGAGGGGCTGCCC-3'
Protein context (NP_853530.2, residues 1006-1026): LNGELGQGVL[Pro1016=]VQGQQQGPVL